The following is an entry in ClinVar:

NM_021922.3(FANCE):c.1120T>C (p.Ser374Pro)

Gene: FANCE (FA complementation group E; plus strand). Cytogenetic location: 6p21.31.
Variant type: single nucleotide variant.
Coding change: c.1120T>C on transcript NM_021922.3 (MANE Select); coding-DNA position 1120, T replaced by C.
Protein change: p.Ser374Pro; replaces serine 374 with proline.
Molecular consequence: missense variant.
Genome position (GRCh38, 1-based): chr6:35,459,337, T>C. VCF-style: chr6-35459337-T-C. GRCh37 (hg19) VCF-style: chr6-35427114-T-C.
Other names: short protein forms S374P.
Identifiers: ClinVar variation 1036045 (VCV001036045.6), dbSNP rs113175592, ClinGen allele CA137300937.

ClinVar aggregate classification (germline): Uncertain significance (1 of 4 stars; one submission).

Conditions:
Fanconi anemia complementation group E (FANCE). Also called: FANCE-Related Fanconi Anemia. Identifiers: Orphanet 84, MedGen C3160739, MONDO:0010953, OMIM 600901.

Allele frequency attached by ClinVar (database versions not stated): gnomAD exomes below 0.00001.
gnomAD v4.1: 1 of 1,614,116 alleles (0.000062%); no homozygotes.

Submission:

Labcorp Genetics (formerly Invitae), Labcorp
Classification: Uncertain significance for Fanconi anemia complementation group E. Last evaluated: 2022-01-27. Review status: criteria provided, single submitter. Criteria: Invitae Variant Classification Sherloc (09022015). Collection method: clinical testing. Allele origin: germline.
Comment: This sequence change replaces serine, which is neutral and polar, with proline, which is neutral and non-polar, at codon 374 of the FANCE protein (p.Ser374Pro). This variant is present in population databases (rs113175592, gnomAD no frequency). This variant has not been reported in the literature in individuals affected with FANCE-related conditions. ClinVar contains an entry for this variant (Variation ID: 1036045). Algorithms developed to predict the effect of missense changes on protein structure and function (SIFT, PolyPhen-2, Align-GVGD) all suggest that this variant is likely to be disruptive. In summary, the available evidence is currently insufficient to determine the role of this variant in disease. Therefore, it has been classified as a Variant of Uncertain Significance.